The following is an entry in ClinVar:

NM_203447.4(DOCK8):c.332+188G>A

Genes: DOCK8 (dedicator of cytokinesis 8; plus strand), LOC126860552 (BRD4-independent group 4 enhancer GRCh37_chr9:285795-286994; plus strand). Cytogenetic location: 9p24.3.
Variant type: single nucleotide variant.
Coding change: c.332+188G>A on transcript NM_203447.4 (MANE Select); 188 bases into the intron after coding-DNA position 332, G replaced by A.
Molecular consequence: intron variant.
Genome position (GRCh38, 1-based): chr9:286,824, G>A. VCF-style: chr9-286824-G-A. GRCh37 (hg19) VCF-style: chr9-286824-G-A.
Other names: c.128+188G>A (NM_001193536.2, NM_001190458.2).
Identifiers: ClinVar variation 677814 (VCV000677814.2), dbSNP rs62533373, ClinGen allele CA15609931.
Genomic context (GRCh38, chr9:286,824, plus strand): 5'-GGGACAGCTATATGATATCATCATGTAAGTATAGATAGTTTTTAAATTAGTTTGGCCAGA[G>A]ATTTTGAAAAGCTATGTGAAGACTAAGCCAGTGCAAGGGATGCAGGAGGACCAAATGAAA-3'

ClinVar aggregate classification (germline): Benign. Review status: criteria provided, multiple submitters, no conflicts (2 of 4 stars). 2 submissions from 2 submitters: Benign (2). Last evaluated 2018-06-14.

Allele frequency attached by ClinVar (database versions not stated): 1000 Genomes Project 30x 0.01686; gnomAD 0.03402 and 0.03511; 1000 Genomes Project 0.01717; TOPMed 0.03188.
gnomAD v4.1: 5,168 of 152,242 alleles (3.4%); highest among the groups gnomAD compares: Non-Finnish European, 4.7%; 99 homozygotes.

Submissions (2):

GeneDx
Classification: Benign. Last evaluated: 2018-06-14. Review status: criteria provided, single submitter. Criteria: GeneDx Variant Classification (06012015). Collection method: clinical testing. Allele origin: germline. Affected: yes.
Comment: This variant is considered likely benign or benign based on one or more of the following criteria: it is a conservative change, it occurs at a poorly conserved position in the protein, it is predicted to be benign by multiple in silico algorithms, and/or has population frequency not consistent with disease.

Breakthrough Genomics
Classification: Benign. Review status: criteria provided, single submitter. Criteria: ACMG Guidelines, 2015. Collection method: not provided. Allele origin: germline. Inheritance: Autosomal recessive inheritance. Affected: yes.